The following is an entry in ClinVar:

ClinVar aggregate classification (germline): Likely benign (1 of 4 stars; one submission).

Allele frequency attached by ClinVar (database versions not stated): gnomAD 0.00376 and 0.00397; 1000 Genomes Project 30x 0.00422; TOPMed 0.00426; 1000 Genomes Project 0.00439.
gnomAD v4.1: 1,148 of 1,610,522 alleles (0.071%); highest among the groups gnomAD compares: African/African-American, 1.4%; 12 homozygotes.

Submission:

GeneDx
Classification: Likely benign. Last evaluated: 2018-06-16. Review status: criteria provided, single submitter. Criteria: GeneDx Variant Classification (06012015). Collection method: clinical testing. Allele origin: germline. Affected: yes.
Comment: This variant is considered likely benign or benign based on one or more of the following criteria: it is a conservative change, it occurs at a poorly conserved position in the protein, it is predicted to be benign by multiple in silico algorithms, and/or has population frequency not consistent with disease.

NM_001379180.1(ESRRB):c.1121-56C>T

Gene: ESRRB (estrogen related receptor beta; plus strand). Cytogenetic location: 14q24.3.
Variant type: single nucleotide variant.
Coding change: c.1121-56C>T on transcript NM_001379180.1 (MANE Select); 56 bases into the intron before coding-DNA position 1121, C replaced by T.
Molecular consequence: intron variant.
Genome position (GRCh38, 1-based): chr14:76,498,158, C>T. VCF-style: chr14-76498158-C-T. GRCh37 (hg19) VCF-style: chr14-76964501-C-T.
Other names: c.1058-56C>T (NM_004452.4).
Identifiers: ClinVar variation 673343 (VCV000673343.1), dbSNP rs142029415, ClinGen allele CA14021666.